The following is an entry in ClinVar:

NM_015488.5(PNKD):c.630T>G (p.His210Gln)

Genes: CATIP-AS2 (CATIP antisense RNA 2; minus strand), PNKD (PNKD metallo-beta-lactamase domain containing; plus strand). Cytogenetic location: 2q35.
Variant type: single nucleotide variant.
Coding change: c.630T>G on transcript NM_015488.5 (MANE Select); coding-DNA position 630, T replaced by G.
Protein change: p.His210Gln; replaces histidine 210 with glutamine.
Molecular consequence: missense variant.
Genome position (GRCh38, 1-based): chr2:218,341,993, T>G. VCF-style: chr2-218341993-T-G. GRCh37 (hg19) VCF-style: chr2-219206716-T-G.
Other names: c.558T>G, p.His186Gln (NM_022572.5); short protein forms H186Q, H210Q.
Identifiers: ClinVar variation 1055079 (VCV001055079.9), dbSNP rs1694691035, ClinGen allele CA350540864.
Genomic context (GRCh38, chr2:218,341,993, plus strand): 5'-CATGGCACAGATCCAATACCTTCTGTCCCCTGCTCCCTTGTTCCCCAGTCCCCTGTGTCA[T>G]CAAGATGTGGTCAGCGTGGGACGGCTTCAGATCCGGGCCCTGGCTACACCTGGCCACACA-3'
Protein context (NP_056303.3, residues 200-220): GIPYLTHPLC[His210Gln]QDVVSVGRLQ

ClinVar aggregate classification (germline): Uncertain significance (1 of 4 stars; one submission).

Conditions:
Paroxysmal nonkinesigenic dyskinesia. Also called: Paroxysmal non-kinesigenic dyskinesia. Identifiers: Orphanet 98810, MedGen C1869117, MONDO:0700088.

gnomAD v4.1: 4 of 1,613,416 alleles (0.00025%); highest among the groups gnomAD compares: South Asian, 0.0033%; no homozygotes.

Submission:

Labcorp Genetics (formerly Invitae), Labcorp
Classification: Uncertain significance for Paroxysmal nonkinesigenic dyskinesia. Last evaluated: 2022-01-11. Review status: criteria provided, single submitter. Criteria: Invitae Variant Classification Sherloc (09022015). Collection method: clinical testing. Allele origin: germline.
Comment: ClinVar contains an entry for this variant (Variation ID: 1055079). In summary, the available evidence is currently insufficient to determine the role of this variant in disease. Therefore, it has been classified as a Variant of Uncertain Significance. Algorithms developed to predict the effect of sequence changes on RNA splicing suggest that this variant may create or strengthen a splice site. Algorithms developed to predict the effect of missense changes on protein structure and function are either unavailable or do not agree on the potential impact of this missense change (SIFT: "Tolerated"; PolyPhen-2: "Possibly Damaging"; Align-GVGD: "Class C0"). This variant has not been reported in the literature in individuals affected with PNKD-related conditions. This variant is not present in population databases (gnomAD no frequency). This sequence change replaces histidine, which is basic and polar, with glutamine, which is neutral and polar, at codon 210 of the PNKD protein (p.His210Gln).